The following is an entry in ClinVar:

ClinVar aggregate classification (germline): Pathogenic (3 of 4 stars; one submission).

Conditions:
Glanzmann thrombasthenia. Also called: PLATELET GLYCOPROTEIN IIb-IIIa DEFICIENCY; BLEEDING DISORDER, PLATELET-TYPE, 2; THROMBASTHENIA OF GLANZMANN AND NAEGELI; Thrombasthenia; Glanzmann's thrombasthenia. Identifiers: Orphanet 849, MedGen C0040015, MONDO:0100326.

Allele frequency attached by ClinVar (database versions not stated): TOPMed below 0.00001.

Submission:

ClinGen Platelet Disorders Variant Curation Expert Panel, ClinGen
Classification: Pathogenic for Glanzmann thrombasthenia. Last evaluated: 2022-04-07. Review status: reviewed by expert panel. Criteria: ClinGen Platelet ACMG Specifications v2-1. Collection method: curation. Allele origin: germline. Inheritance: Autosomal recessive inheritance.
Comment: The NM_000419.5(ITGA2B):c.2555del (p.Gln852ArgfsTer58) frameshift variant leading to a premature stop codon in biologically-relevant-exon 26/30 and is predicted to lead to nonsense mediated decay in a gene in which loss-of-function is an established disease mechanism (PVS1). At least one homozygous (PM3_supporting) patient (Patient VA in PMID:12083483) with this variant displayed mucocutaneous bleeding and impaired aggregation with all agonists except ristocetin, which is highly specific for Glanzmann thrombasthenia. Additionally, αIIbβ3 surface expression was reduced to 2.8% of normal, as measured by flow cytometry. ITGA2B and ITGB3 were sequenced across all exons and intron/exon boundaries (PP4_strong). This variant is absent from gnomAD v2.1.1 (PM2_Supporting). In summary, this variant meets the criteria to be classified as Pathogenic for autosomal recessive Glanzmann Thrombasthenia based on the ACMG/AMP criteria applied, as specified by the ClinGen PD VCEP: PVS1, PP4_strong, PM2_supporting, PM3_supporting. (VCEP specifications version 2; date of approval 01/18/2022)

NM_000419.5(ITGA2B):c.2555del (p.Gln852fs)

Gene: ITGA2B (integrin subunit alpha 2b; minus strand). Cytogenetic location: 17q21.31.
Variant type: Deletion.
Coding change: c.2555del on transcript NM_000419.5 (MANE Select); coding-DNA position 2555, one base deleted (A; older notation c.2555delA).
Protein change: p.Gln852fs; shifts the reading frame from glutamine 852.
Molecular consequence: frameshift variant.
Genome position (GRCh38, 1-based): chr17:44,375,879, T deleted on the plus strand (A on the coding strand, the reverse complement: ITGA2B is on the minus strand). VCF-style (leftmost placement, unchanged base first): chr17-44375878-CT-C. GRCh37 (hg19) VCF-style: chr17-42453246-CT-C.
Other names: NM_000419.5:c.2555del; short protein forms Q852fs.
Identifiers: ClinVar variation 1879052 (VCV001879052.1), dbSNP rs2048538273, ClinGen allele CA915940767.